The following is an entry in ClinVar:

NM_018076.5(ODAD2):c.2679_2680del (p.Asp893fs)

Gene: ODAD2 (outer dynein arm docking complex subunit 2; minus strand). Cytogenetic location: 10p12.1.
Variant type: Deletion.
Coding change: c.2679_2680del on transcript NM_018076.5 (MANE Select); coding-DNA positions 2679 to 2680, 2 bases deleted (TA; older notation c.2679_2680delTA).
Protein change: p.Asp893fs; shifts the reading frame from aspartic acid 893.
Molecular consequence: frameshift variant.
Genome position (GRCh38, 1-based): chr10:27,862,553-27,862,554, TA deleted on the plus strand (TA on the coding strand, the reverse complement: ODAD2 is on the minus strand); deleting any 2 consecutive bases within chr10:27,862,553-27,862,555 gives the same sequence; the c. name uses the placement nearest the transcript's 3' end. VCF-style (leftmost placement, unchanged base first): chr10-27862552-TTA-T. GRCh37 (hg19) VCF-style: chr10-28151481-TTA-T.
Other names: c.2679_2680del, p.Asp893fs (NM_001290020.2); c.1254_1255del, p.Asp418fs (NM_001290021.2); c.1755_1756del, p.Asp585fs (NM_001312689.2); short protein forms D418fs, D585fs, D893fs.
Identifiers: ClinVar variation 4988682 (VCV004988682.1).

ClinVar aggregate classification (germline): Likely pathogenic (1 of 4 stars; one submission).

Conditions:
ODAD2-related disorder. Also called: ODAD2-related condition.

Submission:

PreventionGenetics, part of Exact Sciences
Classification: Likely pathogenic for ODAD2-related condition. Last evaluated: 2026-06-04. Review status: criteria provided, single submitter. Criteria: ACMG Guidelines, 2015. Collection method: clinical testing. Allele origin: germline.
Comment: The ODAD2 c.2679_2680delTA variant is predicted to result in a frameshift and premature protein termination (p.Asp893Glufs*42). To our knowledge, this variant has not been reported in the literature or in a large population database (gnomAD), indicating this variant is rare. Frameshift variants in ODAD2 are expected to be pathogenic. This variant is interpreted as likely pathogenic.